The following is an entry in ClinVar:

ClinVar aggregate classification (germline): Uncertain significance. Review status: criteria provided, multiple submitters, no conflicts (2 of 4 stars). 3 submissions from 3 submitters: Uncertain significance (3). Last evaluated 2026-01-18.

Conditions:
TBX1-related disorder. Also called: TBX1-related condition; TBX1-Related Disorders.
Velocardiofacial syndrome (VCFS). Also called: Shprintzen syndrome; SHPRINTZEN VCF SYNDROME; VCF SYNDROME. Identifiers: Orphanet 567, MedGen C0220704, MONDO:0008644, OMIM 192430. Disease mechanism: loss of function.
Tetralogy of Fallot (TOF). Identifiers: Orphanet 3303, MedGen C0039685, MONDO:0008542, OMIM 187500, HP:0001636.
DiGeorge syndrome. Also called: Catch22; THIRD AND FOURTH PHARYNGEAL POUCH SYNDROME. Identifiers: Orphanet 567, MedGen C0012236, MONDO:0008564, OMIM 188400.
Conotruncal heart malformations (CTHM). Also called: Conotruncal heart malformations, variable. Identifiers: Orphanet 2445, Orphanet 3384, Orphanet 3426, MedGen C1857586, MONDO:0016581, OMIM 217095.

Allele frequency attached by ClinVar (database versions not stated): gnomAD exomes 0.00001; gnomAD 0.00002; TOPMed 0.00002.
gnomAD v4.1: 10 of 1,012,490 alleles (0.00099%); highest among the groups gnomAD compares: Non-Finnish European, 0.0012%; no homozygotes.

Submissions (3):

Labcorp Genetics (formerly Invitae), Labcorp
Classification: Uncertain significance for DiGeorge syndrome. Last evaluated: 2026-01-18. Review status: criteria provided, single submitter. Criteria: Invitae Variant Classification Sherloc (09022015). Collection method: clinical testing. Allele origin: germline.
Comment: This sequence change replaces alanine, which is neutral and non-polar, with serine, which is neutral and polar, at codon 24 of the TBX1 protein (p.Ala24Ser). This variant is present in population databases (no rsID available, gnomAD 0.005%). This variant has not been reported in the literature in individuals affected with TBX1-related conditions. ClinVar contains an entry for this variant (Variation ID: 1023859). Experimental studies and prediction algorithms are not available or were not evaluated, and the functional significance of this variant is currently unknown. In summary, the available evidence is currently insufficient to determine the role of this variant in disease. Therefore, it has been classified as a Variant of Uncertain Significance.

PreventionGenetics, part of Exact Sciences
Classification: Uncertain significance for TBX1-related condition. Last evaluated: 2025-08-21. Review status: criteria provided, single submitter. Criteria: ACMG Guidelines, 2015. Collection method: clinical testing. Allele origin: germline.
Comment: The TBX1 c.70G>T variant is predicted to result in the amino acid substitution p.Ala24Ser. To our knowledge, this variant has not been reported in the literature. This variant is reported in 0.0053% of alleles in individuals of European (Non-Finnish) descent in gnomAD. At this time, the clinical significance of this variant is uncertain due to the absence of conclusive functional and genetic evidence.

Fulgent Genetics
Classification: Uncertain significance for Tetralogy of Fallot; DiGeorge syndrome; Velocardiofacial syndrome; Conotruncal heart malformations. Last evaluated: 2024-06-11. Review status: criteria provided, single submitter. Criteria: ACMG Guidelines, 2015. Collection method: clinical testing. Allele origin: germline.

NM_001379200.1(TBX1):c.97G>T (p.Ala33Ser)

Gene: TBX1 (T-box transcription factor 1; plus strand). Cytogenetic location: 22q11.21.
Variant type: single nucleotide variant.
Coding change: c.97G>T on transcript NM_001379200.1 (MANE Select); coding-DNA position 97, G replaced by T.
Protein change: p.Ala33Ser; replaces alanine 33 with serine.
Molecular consequence: missense variant.
Genome position (GRCh38, 1-based): chr22:19,760,940, G>T. VCF-style: chr22-19760940-G-T. GRCh37 (hg19) VCF-style: chr22-19748463-G-T.
Other names: c.70G>T, p.Ala24Ser (NM_005992.1, NM_080646.2, NM_080647.1); short protein forms A24S, A33S.
Identifiers: ClinVar variation 1023859 (VCV001023859.10), dbSNP rs1359119941, ClinGen allele CA410681146.